The following is an entry in ClinVar:

ClinVar aggregate classification (germline): Uncertain significance. Review status: criteria provided, multiple submitters, no conflicts (2 of 4 stars). 2 submissions from 2 submitters: Uncertain significance (2). Last evaluated 2025-04-01.

Conditions:
Hereditary cancer-predisposing syndrome. Also called: Hereditary neoplastic syndrome; Neoplastic Syndromes, Hereditary; Hereditary Cancer Syndrome; Tumor predisposition. Identifiers: Orphanet 140162, MedGen C0027672, MeSH D009386, MONDO:0015356.

Allele frequency attached by ClinVar (database versions not stated): TOPMed below 0.00001.

Submissions (2):

Ambry Genetics
Classification: Uncertain significance for Hereditary cancer-predisposing syndrome. Last evaluated: 2025-04-01. Review status: criteria provided, single submitter. Criteria: Ambry Variant Classification Scheme 2023. Collection method: clinical testing. Allele origin: germline.
Comment: The p.G346S variant (also known as c.1036G>A), located in coding exon 7 of the FH gene, results from a G to A substitution at nucleotide position 1036. The glycine at codon 346 is replaced by serine, an amino acid with similar properties. This amino acid position is highly conserved in available vertebrate species. In addition, this alteration is predicted to be deleterious by in silico analysis. Based on the available evidence, the clinical significance of this variant remains unclear.

Labcorp Genetics (formerly Invitae), Labcorp
Classification: Uncertain significance. Last evaluated: 2024-06-04. Review status: criteria provided, single submitter. Criteria: Invitae Variant Classification Sherloc (09022015). Collection method: clinical testing. Allele origin: germline.
Comment: This sequence change replaces glycine, which is neutral and non-polar, with serine, which is neutral and polar, at codon 346 of the FH protein (p.Gly346Ser). This variant is not present in population databases (gnomAD no frequency). This variant has not been reported in the literature in individuals affected with FH-related conditions. ClinVar contains an entry for this variant (Variation ID: 529813). Advanced modeling of protein sequence and biophysical properties (such as structural, functional, and spatial information, amino acid conservation, physicochemical variation, residue mobility, and thermodynamic stability) has been performed at Invitae for this missense variant, however the output from this modeling did not meet the statistical confidence thresholds required to predict the impact of this variant on FH protein function. In summary, the available evidence is currently insufficient to determine the role of this variant in disease. Therefore, it has been classified as a Variant of Uncertain Significance.

NM_000143.4(FH):c.1036G>A (p.Gly346Ser)

Gene: FH (fumarate hydratase; minus strand). Cytogenetic location: 1q43.
Variant type: single nucleotide variant.
Coding change: c.1036G>A on transcript NM_000143.4 (MANE Select); coding-DNA position 1036, G replaced by A.
Protein change: p.Gly346Ser; replaces glycine 346 with serine.
Molecular consequence: missense variant.
Genome position (GRCh38, 1-based): chr1:241,504,114, C>T on the plus strand (G>A on the coding strand, the complement: FH is on the minus strand). VCF-style: chr1-241504114-C-T. GRCh37 (hg19) VCF-style: chr1-241667414-C-T.
Other names: short protein forms G346S.
Identifiers: ClinVar variation 529813 (VCV000529813.9), dbSNP rs1553341024, ClinGen allele CA345438176.